The following is an entry in ClinVar:

NM_000059.4(BRCA2):c.7347T>C (p.Ile2449=)

Gene: BRCA2 (BRCA2 DNA repair associated; plus strand). Cytogenetic location: 13q13.1.
Variant type: single nucleotide variant.
Coding change: c.7347T>C on transcript NM_000059.4 (MANE Select); coding-DNA position 7347, T replaced by C.
Protein change: p.Ile2449=; no amino-acid change (isoleucine 2449 retained).
Molecular consequence: synonymous variant.
Genome position (GRCh38, 1-based): chr13:32,355,200, T>C. VCF-style: chr13-32355200-T-C. GRCh37 (hg19) VCF-style: chr13-32929337-T-C.
Identifiers: ClinVar variation 379301 (VCV000379301.65), dbSNP rs1057520563, ClinGen allele CA16607481.

ClinVar aggregate classification (germline): Likely benign. Review status: criteria provided, multiple submitters, no conflicts (2 of 4 stars). 8 submissions from 8 submitters: Likely benign (8). Last evaluated 2025-09-25.

Conditions:
Hereditary cancer-predisposing syndrome. Also called: Tumor predisposition; Hereditary Cancer Syndrome; Hereditary neoplastic syndrome; Neoplastic Syndromes, Hereditary. Identifiers: Orphanet 140162, MedGen C0027672, MeSH D009386, MONDO:0015356.
BRCA2-related cancer predisposition. Identifiers: MedGen CN377758, MONDO:0700269.
Hereditary breast ovarian cancer syndrome. Also called: Hereditary breast and ovarian cancer; Hereditary breast and ovarian cancer syndrome; Hereditary breast and/or ovarian cancer syndrome; Hereditary breast and ovarian cancer syndrome (HBOC); BRCA1- and BRCA2-Associated Hereditary Breast and Ovarian Cancer; Breast and ovarian cancer. Identifiers: Orphanet 145, MedGen C0677776, MeSH D061325, MONDO:0003582. Disease mechanism: loss of function.

Allele frequency attached by ClinVar (database versions not stated): gnomAD exomes below 0.00001.
gnomAD v4.1: 1 of 1,613,502 alleles (0.000062%); highest among the groups gnomAD compares: Non-Finnish European, 0.000085%; no homozygotes.

Submissions (8):

Ambry Genetics
Classification: Likely benign for Hereditary cancer-predisposing syndrome. Last evaluated: 2025-09-25. Review status: criteria provided, single submitter. Criteria: Ambry Variant Classification Scheme 2023. Collection method: clinical testing. Allele origin: germline.

Labcorp Genetics (formerly Invitae), Labcorp
Classification: Likely benign for Hereditary breast ovarian cancer syndrome. Last evaluated: 2024-09-15. Review status: criteria provided, single submitter. Criteria: Invitae Variant Classification Sherloc (09022015). Collection method: clinical testing. Allele origin: germline.

All of Us Research Program, National Institutes of Health
Classification: Likely benign for BRCA2-related cancer predisposition. Last evaluated: 2024-04-25. Review status: criteria provided, single submitter. Criteria: ACMG Guidelines, 2015. Collection method: clinical testing. Allele origin: germline. Inheritance: Autosomal dominant inheritance. Observed: 1 variant allele, 1 heterozygote.
Comment: This study involves interpretation of variants in research participants for the purpose of population health screening. Participant phenotype was not available at the time of variant classification. Additional details can be found in publication PMID: 35346344, PMCID: PMC8962531

Color Diagnostics, LLC DBA Color Health
Classification: Likely benign for Hereditary cancer-predisposing syndrome. Last evaluated: 2024-02-20. Review status: criteria provided, single submitter. Criteria: ACMG Guidelines, 2015. Collection method: clinical testing. Allele origin: germline.

Quest Diagnostics Nichols Institute San Juan Capistrano
Classification: Likely benign. Last evaluated: 2022-12-29. Review status: criteria provided, single submitter. Criteria: Quest Diagnostics criteria. Collection method: clinical testing. Allele origin: unknown.

Women's Health and Genetics/Laboratory Corporation of America, LabCorp
Classification: Likely benign. Last evaluated: 2019-08-21. Review status: criteria provided, single submitter. Criteria: LabCorp Variant Classification Summary - May 2015. Collection method: clinical testing. Allele origin: germline.

CeGaT Center for Human Genetics Tuebingen
Classification: Likely benign. Last evaluated: 2019-05-01. Review status: criteria provided, single submitter. Criteria: CeGaT Center For Human Genetics Tuebingen Variant Classification Criteria Version 2. Collection method: clinical testing. Allele origin: germline. Affected: yes. Observed: 1 variant allele.

GeneDx
Classification: Likely benign. Last evaluated: 2019-03-08. Review status: criteria provided, single submitter. Criteria: GeneDx Variant Classification Process June 2021. Collection method: clinical testing. Allele origin: germline. Affected: yes.
Comment: This variant is associated with the following publications: (PMID: 28324225, 29302806)

Literature cited by the submitters: PubMed 28324225 (cited by Quest Diagnostics Nichols Institute San Juan Capistrano).